The following is an entry in ClinVar:

ClinVar aggregate classification (germline): Likely benign (1 of 4 stars; one submission).

Allele frequency attached by ClinVar (database versions not stated): gnomAD 0.01361 and 0.01455; TOPMed 0.01471; 1000 Genomes Project 0.01677; 1000 Genomes Project 30x 0.01827.

Submission:

GeneDx
Classification: Likely benign. Last evaluated: 2018-06-19. Review status: criteria provided, single submitter. Criteria: GeneDx Variant Classification (06012015). Collection method: clinical testing. Allele origin: germline. Affected: yes.
Comment: This variant is considered likely benign or benign based on one or more of the following criteria: it is a conservative change, it occurs at a poorly conserved position in the protein, it is predicted to be benign by multiple in silico algorithms, and/or has population frequency not consistent with disease.

NM_000053.4(ATP7B):c.4124+278T>A

Gene: ATP7B (ATPase copper transporting beta; minus strand). Cytogenetic location: 13q14.3.
Variant type: single nucleotide variant.
Coding change: c.4124+278T>A on transcript NM_000053.4 (MANE Select); 278 bases into the intron after coding-DNA position 4124, T replaced by A.
Molecular consequence: intron variant.
Genome position (GRCh38, 1-based): chr13:51,935,315, A>T on the plus strand (T>A on the coding strand, the complement: ATP7B is on the minus strand). VCF-style: chr13-51935315-A-T. GRCh37 (hg19) VCF-style: chr13-52509451-A-T.
Other names: c.3791+278T>A (NM_001243182.2); c.3503+278T>A (NM_001005918.3); c.3872+278T>A (NM_001330579.2); c.3890+278T>A (NM_001330578.2).
Identifiers: ClinVar variation 674113 (VCV000674113.1), dbSNP rs74404993, ClinGen allele CA250071918.